The following is an entry in ClinVar:

ClinVar aggregate classification (germline): Uncertain significance (1 of 4 stars; one submission).

Conditions:
Primary ciliary dyskinesia 6. Also called: Primary Ciliary Dyskinesia 6: TXNDC3-Related Primary Ciliary Dyskinesia. Identifiers: Orphanet 244, MedGen C1970506, MONDO:0012571, OMIM 610852.

Allele frequency attached by ClinVar (database versions not stated): ExAC 0.00001; gnomAD exomes 0.00001.
gnomAD v4.1: 7 of 1,613,612 alleles (0.00043%); highest among the groups gnomAD compares: South Asian, 0.0055%; no homozygotes.

Submission:

Labcorp Genetics (formerly Invitae), Labcorp
Classification: Uncertain significance for Primary ciliary dyskinesia 6. Last evaluated: 2023-08-11. Review status: criteria provided, single submitter. Criteria: Invitae Variant Classification Sherloc (09022015). Collection method: clinical testing. Allele origin: germline.
Comment: This variant is present in population databases (rs772405642, gnomAD 0.01%). This sequence change replaces methionine, which is neutral and non-polar, with threonine, which is neutral and polar, at codon 45 of the NME8 protein (p.Met45Thr). This variant has not been reported in the literature in individuals affected with NME8-related conditions. In summary, the available evidence is currently insufficient to determine the role of this variant in disease. Therefore, it has been classified as a Variant of Uncertain Significance. Advanced modeling of protein sequence and biophysical properties (such as structural, functional, and spatial information, amino acid conservation, physicochemical variation, residue mobility, and thermodynamic stability) performed at Invitae indicates that this missense variant is not expected to disrupt NME8 protein function.

NM_016616.5(NME8):c.134T>C (p.Met45Thr)

Gene: NME8 (NME/NM23 family member 8; plus strand). Cytogenetic location: 7p14.1.
Variant type: single nucleotide variant.
Coding change: c.134T>C on transcript NM_016616.5 (MANE Select); coding-DNA position 134, T replaced by C.
Protein change: p.Met45Thr; replaces methionine 45 with threonine.
Molecular consequence: missense variant.
Genome position (GRCh38, 1-based): chr7:37,850,671, T>C. VCF-style: chr7-37850671-T-C. GRCh37 (hg19) VCF-style: chr7-37890273-T-C.
Other names: short protein forms M45T.
Identifiers: ClinVar variation 2992023 (VCV002992023.3), dbSNP rs772405642, ClinGen allele CA4222068.